The following is an entry in ClinVar:

NM_148919.4(PSMB8):c.306_307delinsAA (p.Val103Met)

Gene: PSMB8 (proteasome 20S subunit beta 8; minus strand). Cytogenetic location: 6p21.32.
Variant type: Indel.
Coding change: c.306_307delinsAA on transcript NM_148919.4 (MANE Select); coding-DNA positions 306 to 307, GG replaced by AA.
Protein change: p.Val103Met; replaces valine 103 with methionine.
Molecular consequence: missense variant.
Genome position (GRCh38, 1-based): chr6:32,842,772-32,842,773, CC replaced by TT on the plus strand (GG replaced by AA on the coding strand, the reverse complement: PSMB8 is on the minus strand). VCF-style: chr6-32842772-CC-TT. GRCh37 (hg19) VCF-style: chr6-32810549-CC-TT.
Other names: c.294_295delinsAA, p.Val99Met (LRG_1328t2, NM_004159.5); c.306_307delinsAA, p.Val103Met (LRG_1328t1); short protein forms V103M, V99M.
Identifiers: ClinVar variation 653137 (VCV000653137.7), dbSNP rs371826956, ClinGen allele CA137007950.

ClinVar aggregate classification (germline): Uncertain significance (1 of 4 stars; one submission).

Conditions:
Proteosome-associated autoinflammatory syndrome. Also called: Proteasome-associated autoinflammatory syndrome. Identifiers: Orphanet 324977, MedGen C1850568, MONDO:0009726.

Submission:

Labcorp Genetics (formerly Invitae), Labcorp
Classification: Uncertain significance for Proteosome-associated autoinflammatory syndrome. Last evaluated: 2022-09-01. Review status: criteria provided, single submitter. Criteria: Invitae Variant Classification Sherloc (09022015). Collection method: clinical testing. Allele origin: germline.
Comment: In summary, the available evidence is currently insufficient to determine the role of this variant in disease. Therefore, it has been classified as a Variant of Uncertain Significance. Algorithms developed to predict the effect of missense changes on protein structure and function output the following: SIFT: "Not Available"; PolyPhen-2: "Not Available"; Align-GVGD: "Not Available". The methionine amino acid residue is found in multiple mammalian species, which suggests that this missense change does not adversely affect protein function. ClinVar contains an entry for this variant (Variation ID: 653137). This variant has not been reported in the literature in individuals affected with PSMB8-related conditions. Information on the frequency of this variant in the gnomAD database is not available, as this variant may be reported differently in the database. This sequence change replaces valine, which is neutral and non-polar, with methionine, which is neutral and non-polar, at codon 103 of the PSMB8 protein (p.Val103Met).